The following is an entry in ClinVar:

NM_172369.5(C1QC):c.162G>A (p.Pro54=)

Gene: C1QC (complement C1q C chain; plus strand). Cytogenetic location: 1p36.12.
Variant type: single nucleotide variant.
Coding change: c.162G>A on transcript NM_172369.5 (MANE Select); coding-DNA position 162, G replaced by A.
Protein change: p.Pro54=; no amino-acid change (proline 54 retained).
Molecular consequence: synonymous variant. On other transcripts: intron variant (1).
Genome position (GRCh38, 1-based): chr1:22,644,185, G>A. VCF-style: chr1-22644185-G-A. GRCh37 (hg19) VCF-style: chr1-22970678-G-A.
Other names: c.162G>A (NM_172369.4); c.162G>A, p.Pro54= (NM_001114101.3, NM_001347619.2); c.-87+471G>A (NM_001347620.2).
Identifiers: ClinVar variation 1505383 (VCV001505383.9), dbSNP rs193175681, ClinGen allele CA677905.

ClinVar aggregate classification (germline): Likely benign. Review status: criteria provided, multiple submitters, no conflicts (2 of 4 stars). 3 submissions from 3 submitters: Likely benign (2). 1 of the submissions does not count toward it. Last evaluated 2025-03-10.

Conditions:
C1QC-related disorder. Also called: C1QC-related condition.

Allele frequency attached by ClinVar (database versions not stated): gnomAD 0.00004 and 0.00005; gnomAD exomes 0.00004 and 0.00013; TOPMed 0.00005; ExAC 0.00014; 1000 Genomes Project 30x 0.00016; 1000 Genomes Project 0.00020.
gnomAD v4.1: 78 of 1,579,442 alleles (0.0049%); highest among the groups gnomAD compares: East Asian, 0.057%; no homozygotes.

Submissions (3):

Labcorp Genetics (formerly Invitae), Labcorp
Classification: Likely benign. Last evaluated: 2025-03-10. Review status: criteria provided, single submitter. Criteria: Invitae Variant Classification Sherloc (09022015). Collection method: clinical testing. Allele origin: germline.

Blueprint Genetics
Classification: Likely benign. Last evaluated: 2022-07-13. Review status: criteria provided, single submitter. Criteria: ACMG Guidelines, 2015. Collection method: clinical testing. Allele origin: germline.

PreventionGenetics, part of Exact Sciences
Classification: Likely benign for C1QC-related condition. Last evaluated: 2020-07-02. Review status: no assertion criteria provided. Collection method: clinical testing. Allele origin: germline. Not counted in ClinVar's aggregate classification.
Comment: This variant is classified as likely benign based on ACMG/AMP sequence variant interpretation guidelines (Richards et al. 2015 PMID: 25741868, with internal and published modifications).